The following is an entry in ClinVar:

ClinVar aggregate classification (germline): Pathogenic (1 of 4 stars; one submission).

gnomAD v4.1: 1 of 1,613,834 alleles (0.000062%); highest among the groups gnomAD compares: Non-Finnish European, 0.000085%; no homozygotes.

Submission:

Labcorp Genetics (formerly Invitae), Labcorp
Classification: Pathogenic. Last evaluated: 2025-12-23. Review status: criteria provided, single submitter. Criteria: Invitae Variant Classification Sherloc (09022015). Collection method: clinical testing. Allele origin: germline.
Comment: This sequence change creates a premature translational stop signal (p.Trp244*) in the PLG gene. It is expected to result in an absent or disrupted protein product. Loss-of-function variants in PLG are known to be pathogenic (PMID: 16849641). This variant is not present in population databases (gnomAD no frequency). This variant has not been reported in the literature in individuals affected with PLG-related conditions. For these reasons, this variant has been classified as Pathogenic.

Literature cited by the submitters: PubMed 16849641.

NM_000301.5(PLG):c.732G>A (p.Trp244Ter)

Gene: PLG (plasminogen; plus strand). Cytogenetic location: 6q26.
Variant type: single nucleotide variant.
Coding change: c.732G>A on transcript NM_000301.5 (MANE Select); coding-DNA position 732, G replaced by A.
Protein change: p.Trp244Ter; replaces tryptophan 244 with a stop codon.
Molecular consequence: nonsense.
Genome position (GRCh38, 1-based): chr6:160,716,708, G>A. VCF-style: chr6-160716708-G-A. GRCh37 (hg19) VCF-style: chr6-161137740-G-A.
Other names: short protein forms W244*.
Identifiers: ClinVar variation 4728204 (VCV004728204.1).